The following is an entry in ClinVar:

NM_001267550.2(TTN):c.14870C>T (p.Thr4957Ile)

Gene: TTN (titin; minus strand). Cytogenetic location: 2q31.2.
Variant type: single nucleotide variant.
Coding change: c.14870C>T on transcript NM_001267550.2 (MANE Select); coding-DNA position 14870, C replaced by T.
Protein change: p.Thr4957Ile; replaces threonine 4957 with isoleucine.
Molecular consequence: missense variant. On other transcripts: intron variant (3).
Genome position (GRCh38, 1-based): chr2:178,735,576, G>A on the plus strand (C>T on the coding strand, the complement: TTN is on the minus strand). VCF-style: chr2-178735576-G-A. GRCh37 (hg19) VCF-style: chr2-179600303-G-A.
Other names: c.13919C>T, p.Thr4640Ile (NM_001256850.1); c.11138C>T, p.Thr3713Ile (NM_133378.4); c.13282+2506C>T (NM_003319.4); c.13858+2506C>T (NM_133437.4); c.13657+2506C>T (NM_133432.3); short protein forms T3713I, T4640I, T4957I.
Identifiers: ClinVar variation 3767576 (VCV003767576.2).

ClinVar aggregate classification (germline): Uncertain significance. Review status: criteria provided, multiple submitters, no conflicts (2 of 4 stars). 2 submissions from 2 submitters: Uncertain significance (2). Last evaluated 2026-03-25.

gnomAD v4.1: 45 of 1,612,844 alleles (0.0028%); highest among the groups gnomAD compares: Non-Finnish European, 0.0036%; no homozygotes.

Submissions (2):

Women's Health and Genetics/Laboratory Corporation of America, LabCorp
Classification: Uncertain significance. Last evaluated: 2026-03-25. Review status: criteria provided, single submitter. Criteria: LabCorp Variant Classification Summary - May 2015. Collection method: clinical testing. Allele origin: germline.
Comment: Variant summary: TTN c.11138C>T (p.Thr3713Ile) results in a non-conservative amino acid change in the encoded protein sequence. Algorithms developed to predict the effect of missense changes on protein structure and function are either unavailable or do not agree on the potential impact of this missense change. The variant allele was found at a frequency of 1.2e-05 in 247488 control chromosomes. The available data on variant occurrences in the general population are insufficient to allow any conclusion about variant significance. c.11138C>T has been observed in individual(s) affected with Hypetrophic Cardiomyopathy (Lopes_2013). These report(s) do not provide unequivocal conclusions about association of the variant with Autosomal Recessive Titinopathy. To our knowledge, no experimental evidence demonstrating an impact on protein function has been reported. ClinVar contains an entry for this variant (Variation ID: 3767576). The following publication has been ascertained in the context of this evaluation (PMID: 23396983). Based on the evidence outlined above, the variant was classified as uncertain significance.

GeneDx
Classification: Uncertain significance. Last evaluated: 2024-09-09. Review status: criteria provided, single submitter. Criteria: GeneDx Variant Classification Process June 2021. Collection method: clinical testing. Allele origin: germline. Affected: yes.
Comment: Not observed at significant frequency in large population cohorts (gnomAD); Missense variant in a gene in which most reported pathogenic variants are truncating/loss of function; Has not been previously published as pathogenic or benign to our knowledge

Literature cited by the submitters: PubMed 23396983 (cited by Women's Health and Genetics/Laboratory Corporation of America, LabCorp).